The following is an entry in ClinVar:

ClinVar aggregate classification (germline): Uncertain significance (1 of 4 stars; one submission).

Submission:

Dasa
Classification: Uncertain significance. Last evaluated: 2025-06-04. Review status: criteria provided, single submitter. Criteria: DASA Assertion Criteria. Collection method: clinical testing. Allele origin: germline.
Comment: NM_000334.4(SCN4A):c.1939A>T (p.Ser647Cys) is a missense variant that results in the substitution of serine with cysteine. This variant is absent from population databases. The currently available literature and clinical evidence are not sufficient to establish a definitive association between this variant and the reported condition. Therefore, this variant is classified as a variant of uncertain significance.

NM_000334.4(SCN4A):c.1939A>T (p.Ser647Cys)

Gene: SCN4A (sodium voltage-gated channel alpha subunit 4; minus strand). Cytogenetic location: 17q23.3.
Variant type: single nucleotide variant.
Coding change: c.1939A>T on transcript NM_000334.4 (MANE Select); coding-DNA position 1939, A replaced by T.
Protein change: p.Ser647Cys; replaces serine 647 with cysteine.
Molecular consequence: missense variant.
Genome position (GRCh38, 1-based): chr17:63,959,345, T>A on the plus strand (A>T on the coding strand, the complement: SCN4A is on the minus strand). VCF-style: chr17-63959345-T-A. GRCh37 (hg19) VCF-style: chr17-62036705-T-A.
Other names: short protein forms S647C.
Identifiers: ClinVar variation 4886011 (VCV004886011.2).